The following is an entry in ClinVar:

NM_015158.5(KANK1):c.38-3361G>A

Gene: KANK1 (KN motif and ankyrin repeat domains 1; plus strand). Cytogenetic location: 9p24.3.
Variant type: single nucleotide variant.
Coding change: c.38-3361G>A on transcript NM_015158.5 (MANE Select); 3361 bases into the intron before coding-DNA position 38, G replaced by A.
Molecular consequence: intron variant.
Genome position (GRCh38, 1-based): chr9:707,443, G>A. VCF-style: chr9-707443-G-A. GRCh37 (hg19) VCF-style: chr9-707443-G-A.
Other names: c.38-3361G>A (NM_001256876.3, NM_001354334.2, NM_001256877.3 and 2 more transcripts); c.-437-3361G>A (NM_001354333.2, NM_001354335.2, NM_001354336.2 and 4 more transcripts); c.-438+192G>A (NM_001354341.2, NM_001354343.2); c.-438+196G>A (NM_153186.6, NM_001354342.2, NM_001354344.2).
Identifiers: ClinVar variation 2571328 (VCV002571328.27), dbSNP rs117489690, ClinGen allele CA187832349.
Genomic context (GRCh38, chr9:707,443, plus strand): 5'-GACCCGCCGGCTCCCACACACACATCCCGGGAGGCCCGGATCAGCCTGCCTGACAGCCAA[G>A]CTGCAGCTTCTCTCCTGTTAATGGAGTTTCAGACAGTCCTGGAGACAGGTCTGGCTGCTG-3'

ClinVar aggregate classification (germline): Likely benign (1 of 4 stars; one submission).

Allele frequency attached by ClinVar (database versions not stated): 1000 Genomes Project 0.00180; 1000 Genomes Project 30x 0.00219.
gnomAD v4.1: 923 of 152,316 alleles (0.61%); highest among the groups gnomAD compares: Non-Finnish European, 0.89%; 6 homozygotes.

Submission:

CeGaT Center for Human Genetics Tuebingen
Classification: Likely benign. Last evaluated: 2023-04-01. Review status: criteria provided, single submitter. Criteria: CeGaT Center For Human Genetics Tuebingen Variant Classification Criteria Version 2. Collection method: clinical testing. Allele origin: germline. Affected: yes. Observed: 2 variant alleles.
Comment: KANK1: BS2